The following is an entry in ClinVar:

ClinVar aggregate classification (germline): Uncertain significance (1 of 4 stars; one submission).

Conditions:
Oligodontia-cancer predisposition syndrome. Also called: TOOTH AGENESIS-COLORECTAL CANCER SYNDROME. Identifiers: Orphanet 300576, MedGen C1837750, MONDO:0012075, OMIM 608615. Disease mechanism: loss of function.

Submission:

Labcorp Genetics (formerly Invitae), Labcorp
Classification: Uncertain significance for Oligodontia-cancer predisposition syndrome. Last evaluated: 2020-02-25. Review status: criteria provided, single submitter. Criteria: Invitae Variant Classification Sherloc (09022015). Collection method: clinical testing. Allele origin: germline.
Comment: This sequence change replaces isoleucine with asparagine at codon 531 of the AXIN2 protein (p.Ile531Asn). The isoleucine residue is highly conserved and there is a large physicochemical difference between isoleucine and asparagine. This variant is not present in population databases (ExAC no frequency). This variant has not been reported in the literature in individuals with AXIN2-related conditions. Algorithms developed to predict the effect of missense changes on protein structure and function are either unavailable or do not agree on the potential impact of this missense change (SIFT: "Deleterious"; PolyPhen-2: "Possibly Damaging"; Align-GVGD: "Class C0"). In summary, the available evidence is currently insufficient to determine the role of this variant in disease. Therefore, it has been classified as a Variant of Uncertain Significance.

NM_004655.4(AXIN2):c.1592T>A (p.Ile531Asn)

Gene: AXIN2 (axin 2; minus strand). Cytogenetic location: 17q24.1.
Variant type: single nucleotide variant.
Coding change: c.1592T>A on transcript NM_004655.4 (MANE Select); coding-DNA position 1592, T replaced by A.
Protein change: p.Ile531Asn; replaces isoleucine 531 with asparagine.
Molecular consequence: missense variant.
Genome position (GRCh38, 1-based): chr17:65,537,444, A>T on the plus strand (T>A on the coding strand, the complement: AXIN2 is on the minus strand). VCF-style: chr17-65537444-A-T. GRCh37 (hg19) VCF-style: chr17-63533562-A-T.
Other names: c.1592T>A, p.Ile531Asn (NM_001363813.1); short protein forms I531N.
Identifiers: ClinVar variation 849836 (VCV000849836.9), dbSNP rs2043948262, ClinGen allele CA400677195.
Genomic context (GRCh38, chr17:65,537,444, plus strand): 5'-CAGTAATACTCGCTGCCCCCAGGGCAGAAGCAGTGCACCCGCTGCGTGGCCTCCGCCTCG[A>T]TCTCCTCCTTGGTCTTGGGGACGGCATGGTGGTGGATGTAGTGGTGGTGGACATGCTTCG-3'
Protein context (NP_004646.3, residues 521-541): HHAVPKTKEE[Ile531Asn]EAEATQRVHC